The following is an entry in ClinVar:

NM_004357.5(CD151):c.349C>T (p.Gln117Ter)

Gene: CD151 (CD151 molecule (Raph blood group); plus strand). Cytogenetic location: 11p15.5.
Variant type: single nucleotide variant.
Coding change: c.349C>T on transcript NM_004357.5 (MANE Select); coding-DNA position 349, C replaced by T.
Protein change: p.Gln117Ter; replaces glutamine 117 with a stop codon.
Molecular consequence: nonsense.
Genome position (GRCh38, 1-based): chr11:836,841, C>T. VCF-style: chr11-836841-C-T. GRCh37 (hg19) VCF-style: chr11-836841-C-T.
Other names: c.349C>T, p.Gln117Ter (NM_001039490.2, NM_139029.2, NM_139030.4); short protein forms Q117*.
Identifiers: ClinVar variation 2103252 (VCV002103252.5), dbSNP rs2495978398, ClinGen allele CA378994436.

ClinVar aggregate classification (germline): Uncertain significance. Review status: criteria provided, multiple submitters, no conflicts (2 of 4 stars). 2 submissions from 2 submitters: Uncertain significance (2). Last evaluated 2024-01-10.

Conditions:
RAPH BLOOD GROUP SYSTEM. Also called: MER2 BLOOD CELL ANTIGEN EXPRESSION. Identifiers: MedGen C1867341, OMIM 179620.
Epidermolysis bullosa simplex 7, with nephropathy and deafness. Also called: Nephropathy with Pretibial Epidermolysis Bullosa and Deafness; Nephrotic syndrome - deafness - pretibial epidermolysis bullosa syndrome. Identifiers: Orphanet 300333, MedGen C1836823, MONDO:0012190, OMIM 609057.

Submissions (2):

Fulgent Genetics
Classification: Uncertain significance for RAPH BLOOD GROUP SYSTEM; Epidermolysis bullosa simplex 7, with nephropathy and deafness. Last evaluated: 2024-01-10. Review status: criteria provided, single submitter. Criteria: ACMG Guidelines, 2015. Collection method: clinical testing. Allele origin: germline.

Labcorp Genetics (formerly Invitae), Labcorp
Classification: Uncertain significance. Last evaluated: 2022-02-25. Review status: criteria provided, single submitter. Criteria: Invitae Variant Classification Sherloc (09022015). Collection method: clinical testing. Allele origin: germline.
Comment: This variant has not been reported in the literature in individuals affected with CD151-related conditions. In summary, the available evidence is currently insufficient to determine the role of this variant in disease. Therefore, it has been classified as a Variant of Uncertain Significance. Algorithms developed to predict the effect of sequence changes on RNA splicing suggest that this variant may create or strengthen a splice site. This variant is not present in population databases (gnomAD no frequency). This sequence change creates a premature translational stop signal (p.Gln117*) in the CD151 gene. It is expected to result in an absent or disrupted protein product. However, the current clinical and genetic evidence is not sufficient to establish whether loss-of-function variants in CD151 cause disease.